The following is an entry in ClinVar:

ClinVar aggregate classification (germline): Likely pathogenic. Review status: criteria provided, single submitter (1 of 4 stars). 2 submissions from 2 submitters: Likely pathogenic (1). 1 of the submissions does not count toward it. Last evaluated 2019-07-15.

Conditions:
Houge-Janssens syndrome 3. Also called: NEURODEVELOPMENTAL DISORDER AND LANGUAGE DELAY WITH OR WITHOUT STRUCTURAL BRAIN ABNORMALITIES. Identifiers: MedGen C5193048, MONDO:0032697, OMIM 618354.

Submissions (2):

SIB Swiss Institute of Bioinformatics
Classification: Likely pathogenic for Houge-Janssens syndrome 3. Last evaluated: 2019-07-15. Review status: criteria provided, single submitter. Criteria: ACMG Guidelines, 2015. Collection method: curation. Allele origin: unknown.
Comment: This variant is interpreted as a Likely pathogenic for Neurodevelopmental disorder and language delay with or without structural brain abnormalities, autosomal dominant. The following ACMG Tag(s) were applied: PM2, PM6, PS3.

OMIM
Classification: Pathogenic for HOUGE-JANSSENS SYNDROME 3. Last evaluated: 2023-11-10. Review status: no assertion criteria provided. Collection method: literature only. Allele origin: germline. Not counted in ClinVar's aggregate classification.

Literature cited by the submitters: PubMed 30595372 (cited by SIB Swiss Institute of Bioinformatics and OMIM).

NM_002715.4(PPP2CA):c.922_924dup (p.Phe308dup)

Gene: PPP2CA (protein phosphatase 2 catalytic subunit alpha; minus strand). Cytogenetic location: 5q31.1.
Variant type: Duplication.
Coding change: c.922_924dup on transcript NM_002715.4 (MANE Select); coding-DNA positions 922 to 924, 3 bases duplicated (TTC; older notation c.922_924dupTTC).
Protein change: p.Phe308dup; duplicates phenylalanine 308.
Molecular consequence: inframe insertion. On other transcripts: non-coding transcript variant (1).
Genome position (GRCh38, 1-based): chr5:134,197,778-134,197,780, GAA duplicated on the plus strand (TTC on the coding strand, the reverse complement: PPP2CA is on the minus strand); duplicating any 3 consecutive bases within chr5:134,197,778-134,197,781 gives the same sequence; the c. name uses the placement nearest the transcript's 3' end. VCF-style (leftmost placement, unchanged base first): chr5-134197777-G-GGAA. GRCh37 (hg19) VCF-style: chr5-133533468-G-GGAA.
Other names: c.727_729dup, p.Phe243dup (NM_001355019.2).
Identifiers: ClinVar variation 620081 (VCV000620081.4), dbSNP rs864622012, ClinGen allele CA913189270.